The following is an entry in ClinVar:

ClinVar aggregate classification (germline): Conflicting classifications of pathogenicity. Review status: criteria provided, conflicting classifications (1 of 4 stars). 3 submissions from 3 submitters: Uncertain significance (2); Likely benign (1). Last evaluated 2025-11-09.

Conditions:
Cardiovascular phenotype. Identifiers: MedGen CN230736.
Myofibrillar myopathy 4. Also called: Zaspopathy (type). Identifiers: Orphanet 98912, MedGen C4721886, MONDO:0012277, OMIM 609452.
Dilated cardiomyopathy 1C (CMD1C). Also called: Cardiomyopathy, dilated, 1C, with or without LVNC; CARDIOMYOPATHY, DILATED, 1C, WITH OR WITHOUT LEFT VENTRICULAR NONCOMPACTION. Identifiers: Orphanet 154, Orphanet 54260, MedGen C1832244, MONDO:0011094, OMIM 601493.

Allele frequency attached by ClinVar (database versions not stated): 1000 Genomes Project 0.00040; gnomAD 0.00002 and 0.00003; TOPMed 0.00002; ExAC 0.00003; 1000 Genomes Project 30x 0.00031; gnomAD exomes 0.00002.
gnomAD v4.1: 30 of 1,604,048 alleles (0.0019%); highest among the groups gnomAD compares: East Asian, 0.027%; no homozygotes.

Submissions (3):

Labcorp Genetics (formerly Invitae), Labcorp
Classification: Uncertain significance for Myofibrillar myopathy 4. Last evaluated: 2025-11-09. Review status: criteria provided, single submitter. Criteria: Invitae Variant Classification Sherloc (09022015). Collection method: clinical testing. Allele origin: germline.
Comment: The LDB3 gene has multiple clinically relevant transcripts. This variant occurs in alternate transcript NM_007078.3, and corresponds to NM_001080116.1:c.321+1295C>T in the primary transcript. This sequence change replaces threonine, which is neutral and polar, with methionine, which is neutral and non-polar, at codon 113 of the LDB3 protein (p.Thr113Met). This variant is present in population databases (rs563714303, gnomAD 0.01%). This variant has not been reported in the literature in individuals affected with LDB3-related conditions. ClinVar contains an entry for this variant (Variation ID: 518772). Experimental studies and prediction algorithms are not available or were not evaluated, and the functional significance of this variant is currently unknown. Algorithms developed to predict the effect of sequence changes on RNA splicing suggest that this variant is not likely to affect RNA splicing. In summary, the available evidence is currently insufficient to determine the role of this variant in disease. Therefore, it has been classified as a Variant of Uncertain Significance.

Ambry Genetics
Classification: Likely benign for Cardiovascular phenotype. Last evaluated: 2025-05-27. Review status: criteria provided, single submitter. Criteria: Ambry Variant Classification Scheme 2023. Collection method: clinical testing. Allele origin: germline.

Fulgent Genetics
Classification: Uncertain significance for Dilated cardiomyopathy 1C; Myofibrillar myopathy 4. Last evaluated: 2021-09-15. Review status: criteria provided, single submitter. Criteria: ACMG Guidelines, 2015. Collection method: clinical testing. Allele origin: unknown.

NM_007078.3(LDB3):c.338C>T (p.Thr113Met)

Gene: LDB3 (LIM domain binding 3; plus strand). Cytogenetic location: 10q23.2.
Variant type: single nucleotide variant.
Coding change: c.338C>T on transcript NM_007078.3 (MANE Select); coding-DNA position 338, C replaced by T.
Protein change: p.Thr113Met; replaces threonine 113 with methionine.
Molecular consequence: missense variant. On other transcripts: intron variant (5).
Genome position (GRCh38, 1-based): chr10:86,681,452, C>T. VCF-style: chr10-86681452-C-T. GRCh37 (hg19) VCF-style: chr10-88441209-C-T.
Other names: c.338C>T, p.Thr113Met (NM_001080115.2, NM_001171610.2, NM_001171611.2 and 3 more transcripts); c.321+1295C>T (NM_001368068.1, NM_001368066.1, NM_001080114.2 and 2 more transcripts); short protein forms T113M.
Identifiers: ClinVar variation 518772 (VCV000518772.18), dbSNP rs563714303, ClinGen allele CA5584677.